The following is an entry in ClinVar:

ClinVar aggregate classification (germline): Benign/Likely benign. Review status: criteria provided, multiple submitters, no conflicts (2 of 4 stars). 4 submissions from 4 submitters: Benign (1); Likely benign (2). 1 of the submissions does not count toward it. Last evaluated 2025-07-14.

Conditions:
AHDC1-related disorder. Also called: AHDC1-related condition.
AHDC1-related intellectual disability - obstructive sleep apnea - mild dysmorphism syndrome. Also called: Xia-Gibbs syndrome. Identifiers: Orphanet 412069, MedGen C4014419, MONDO:0014358, OMIM 615829.

Submissions (4):

Labcorp Genetics (formerly Invitae), Labcorp
Classification: Likely benign. Last evaluated: 2025-07-14. Review status: criteria provided, single submitter. Criteria: Invitae Variant Classification Sherloc (09022015). Collection method: clinical testing. Allele origin: germline.

Fulgent Genetics
Classification: Likely benign for AHDC1-related intellectual disability - obstructive sleep apnea - mild dysmorphism syndrome. Last evaluated: 2022-01-10. Review status: criteria provided, single submitter. Criteria: ACMG Guidelines, 2015. Collection method: clinical testing. Allele origin: unknown.

GeneDx
Classification: Benign. Last evaluated: 2020-02-25. Review status: criteria provided, single submitter. Criteria: GeneDx Variant Classification Process June 2021. Collection method: clinical testing. Allele origin: germline. Affected: yes.

PreventionGenetics, part of Exact Sciences
Classification: Likely benign for AHDC1-related condition. Last evaluated: 2024-05-23. Review status: no assertion criteria provided. Collection method: clinical testing. Allele origin: germline. Not counted in ClinVar's aggregate classification.
Comment: This variant is classified as likely benign based on ACMG/AMP sequence variant interpretation guidelines (Richards et al. 2015 PMID: 25741868, with internal and published modifications).

NM_001371928.1(AHDC1):c.3254CCT[8] (p.Ser1091dup)

Gene: AHDC1 (AT-hook DNA binding motif containing 1; minus strand). Cytogenetic location: 1p36.11.
Variant type: Microsatellite.
Coding change: c.3254CCT[8] on transcript NM_001371928.1 (MANE Select); eight copies in a row of the 3-base unit CCT starting at c.3254; the reference has seven copies in a row; one copy, 3 bases duplicated.
Protein change: p.Ser1091dup; duplicates serine 1091.
Molecular consequence: inframe insertion.
Genome position (GRCh38, 1-based): chr1:27,548,842-27,548,844, AGG duplicated on the plus strand (CCT on the coding strand, the reverse complement: AHDC1 is on the minus strand); duplicating any 3 consecutive bases within chr1:27,548,842-27,548,862 gives the same sequence; the position shown is the placement nearest the transcript's 3' end. VCF-style (leftmost placement, unchanged base first): chr1-27548841-A-AAGG. GRCh37 (hg19) VCF-style: chr1-27875352-A-AAGG.
Other names: c.3272_3274dupCCT (NM_001029882.3); c.3254CCT[8], p.Ser1091dup (NM_001029882.3); c.3272_3274dup (NM_001029882.3).
Identifiers: ClinVar variation 1182005 (VCV001182005.9), dbSNP rs530256606, ClinGen allele CA715586.